The following is an entry in ClinVar:

ClinVar aggregate classification (germline): Uncertain significance (1 of 4 stars; one submission).

Conditions:
Amyotrophic lateral sclerosis type 1 (ALS1). Also called: AMYOTROPHIC LATERAL SCLEROSIS 1, FAMILIAL. Identifiers: Orphanet 803, MedGen C1862939, MONDO:0007103, OMIM 105400.
Neuronopathy, distal hereditary motor, type 7B. Also called: HMN VIIB; LOWER MOTOR NEURON DISEASE, DYNACTIN TYPE; NEURONOPATHY, DISTAL HEREDITARY MOTOR, AUTOSOMAL DOMINANT 14; NEURONOPATHY, DISTAL HEREDITARY MOTOR, HARDING TYPE VIIB; NEUROPATHY, DISTAL HEREDITARY MOTOR, HARDING TYPE VIIB; NEUROPATHY, DISTAL HEREDITARY MOTOR, WITH VOCAL CORD PARALYSIS, HARDING TYPE VIIB. Identifiers: Orphanet 139589, MedGen C1843315, MONDO:0011879, OMIM 607641.
Perry syndrome. Also called: PARKINSONISM WITH ALVEOLAR HYPOVENTILATION AND MENTAL DEPRESSION. Identifiers: Orphanet 178509, MedGen C1868594, MONDO:0008201, OMIM 168605.

Submission:

Labcorp Genetics (formerly Invitae), Labcorp
Classification: Uncertain significance for Amyotrophic lateral sclerosis type 1; Neuronopathy, distal hereditary motor, type 7B; Perry syndrome. Last evaluated: 2024-07-24. Review status: criteria provided, single submitter. Criteria: Invitae Variant Classification Sherloc (09022015). Collection method: clinical testing. Allele origin: germline.
Comment: This sequence change replaces threonine, which is neutral and polar, with isoleucine, which is neutral and non-polar, at codon 589 of the DCTN1 protein (p.Thr589Ile). This variant is not present in population databases (gnomAD no frequency). This variant has not been reported in the literature in individuals affected with DCTN1-related conditions. Advanced modeling of protein sequence and biophysical properties (such as structural, functional, and spatial information, amino acid conservation, physicochemical variation, residue mobility, and thermodynamic stability) performed at Invitae indicates that this missense variant is not expected to disrupt DCTN1 protein function with a negative predictive value of 80%. In summary, the available evidence is currently insufficient to determine the role of this variant in disease. Therefore, it has been classified as a Variant of Uncertain Significance.

NM_004082.5(DCTN1):c.1766C>T (p.Thr589Ile)

Gene: DCTN1 (dynactin subunit 1; minus strand). Cytogenetic location: 2p13.1.
Variant type: single nucleotide variant.
Coding change: c.1766C>T on transcript NM_004082.5 (MANE Select); coding-DNA position 1766, C replaced by T.
Protein change: p.Thr589Ile; replaces threonine 589 with isoleucine.
Molecular consequence: missense variant. On other transcripts: non-coding transcript variant (1).
Genome position (GRCh38, 1-based): chr2:74,368,816, G>A on the plus strand (C>T on the coding strand, the complement: DCTN1 is on the minus strand). VCF-style: chr2-74368816-G-A. GRCh37 (hg19) VCF-style: chr2-74595943-G-A.
Other names: c.1706C>T, p.Thr569Ile (NM_001135040.3); c.1364C>T, p.Thr455Ile (NM_001135041.3, NM_023019.4); c.1655C>T, p.Thr552Ile (NM_001190836.2); c.1745C>T, p.Thr582Ile (NM_001190837.2); c.1715C>T, p.Thr572Ile (NM_001378991.1); c.1697C>T, p.Thr566Ile (NM_001378992.1); short protein forms T455I, T552I, T566I, T569I, T572I, T582I, T589I.
Identifiers: ClinVar variation 3753318 (VCV003753318.2).